The following is an entry in ClinVar:

NM_003985.6(TNK1):c.1398-2A>G

Gene: TNK1 (tyrosine kinase non receptor 1; plus strand). Cytogenetic location: 17p13.1.
Variant type: single nucleotide variant.
Coding change: c.1398-2A>G on transcript NM_003985.6 (MANE Select); the canonical splice acceptor site of the intron before coding-DNA position 1398, A replaced by G.
Molecular consequence: splice acceptor variant.
Genome position (GRCh38, 1-based): chr17:7,387,376, A>G. VCF-style: chr17-7387376-A-G. GRCh37 (hg19) VCF-style: chr17-7290695-A-G.
Other names: NC_000017.10:g.7290695A>G; c.1413-2A>G (NM_001251902.3).
Identifiers: ClinVar variation 3055800 (VCV003055800.3), dbSNP rs7220814, ClinGen allele CA8345200.

ClinVar aggregate classification (germline): Benign (0 of 4 stars; one submission).

Conditions:
TNK1-related disorder. Also called: TNK1-related condition.

Allele frequency attached by ClinVar (database versions not stated): ESP Exome Variant Server 0.04476; gnomAD 0.05573; TOPMed 0.06009; gnomAD exomes 0.06497; 1000 Genomes Project 30x 0.07573; 1000 Genomes Project 0.07728; ExAC 0.09325.
gnomAD v4.1: 102,503 of 1,601,710 alleles (6.4%); highest among the groups gnomAD compares: East Asian, 21%; 4,141 homozygotes.

Submissions 1 to 32 of 46:

PreventionGenetics, part of Exact Sciences
Classification: Benign for TNK1-related condition. Last evaluated: 2019-02-22. Review status: no assertion criteria provided. Collection method: clinical testing. Allele origin: germline.
Comment: This variant is classified as benign based on ACMG/AMP sequence variant interpretation guidelines (Richards et al. 2015 PMID: 25741868, with internal and published modifications).

Dr. Peter K. Rogan Lab, Western University
No classification provided (evidence only). Condition: Melanoma. Review status: no classification provided. Collection method: in vitro. Allele origin: not applicable. Functional consequence: retained intron. Not counted in ClinVar's aggregate classification.

Dr. Peter K. Rogan Lab, Western University
No classification provided (evidence only). Condition: Melanoma. Review status: no classification provided. Collection method: in vitro. Allele origin: not applicable. Functional consequence: skipped exon, retained intron. Not counted in ClinVar's aggregate classification.

Dr. Peter K. Rogan Lab, Western University
No classification provided (evidence only). Condition: Melanoma. Review status: no classification provided. Collection method: in vitro. Allele origin: not applicable. Functional consequence: retained intron. Not counted in ClinVar's aggregate classification.

Dr. Peter K. Rogan Lab, Western University
No classification provided (evidence only). Condition: Familial cancer of breast. Review status: no classification provided. Collection method: in vitro. Allele origin: not applicable. Functional consequence: retained intron. Not counted in ClinVar's aggregate classification.

Dr. Peter K. Rogan Lab, Western University
No classification provided (evidence only). Condition: Acute myeloid leukemia. Review status: no classification provided. Collection method: in vitro. Allele origin: not applicable. Functional consequence: retained intron. Not counted in ClinVar's aggregate classification.

Dr. Peter K. Rogan Lab, Western University
No classification provided (evidence only). Condition: Acute myeloid leukemia. Review status: no classification provided. Collection method: in vitro. Allele origin: not applicable. Functional consequence: retained intron. Not counted in ClinVar's aggregate classification.

Dr. Peter K. Rogan Lab, Western University
No classification provided (evidence only). Condition: Acute myeloid leukemia. Review status: no classification provided. Collection method: in vitro. Allele origin: not applicable. Functional consequence: retained intron. Not counted in ClinVar's aggregate classification.

Dr. Peter K. Rogan Lab, Western University
No classification provided (evidence only). Condition: Acute myeloid leukemia. Review status: no classification provided. Collection method: in vitro. Allele origin: not applicable. Functional consequence: retained intron. Not counted in ClinVar's aggregate classification.

Dr. Peter K. Rogan Lab, Western University
No classification provided (evidence only). Condition: Colon adenocarcinoma. Review status: no classification provided. Collection method: in vitro. Allele origin: not applicable. Functional consequence: retained intron. Not counted in ClinVar's aggregate classification.

Dr. Peter K. Rogan Lab, Western University
No classification provided (evidence only). Condition: Colon adenocarcinoma. Review status: no classification provided. Collection method: in vitro. Allele origin: not applicable. Functional consequence: retained intron. Not counted in ClinVar's aggregate classification.

Dr. Peter K. Rogan Lab, Western University
No classification provided (evidence only). Condition: Colon adenocarcinoma. Review status: no classification provided. Collection method: in vitro. Allele origin: not applicable. Functional consequence: skipped exon, retained intron. Not counted in ClinVar's aggregate classification.

Dr. Peter K. Rogan Lab, Western University
No classification provided (evidence only). Condition: Colon adenocarcinoma. Review status: no classification provided. Collection method: in vitro. Allele origin: not applicable. Functional consequence: skipped exon, retained intron. Not counted in ClinVar's aggregate classification.

Dr. Peter K. Rogan Lab, Western University
No classification provided (evidence only). Condition: Colon adenocarcinoma. Review status: no classification provided. Collection method: in vitro. Allele origin: not applicable. Functional consequence: skipped exon, retained intron. Not counted in ClinVar's aggregate classification.

Dr. Peter K. Rogan Lab, Western University
No classification provided (evidence only). Condition: Colon adenocarcinoma. Review status: no classification provided. Collection method: in vitro. Allele origin: not applicable. Functional consequence: skipped exon, retained intron. Not counted in ClinVar's aggregate classification.

Dr. Peter K. Rogan Lab, Western University
No classification provided (evidence only). Condition: Colon adenocarcinoma. Review status: no classification provided. Collection method: in vitro. Allele origin: not applicable. Functional consequence: skipped exon, retained intron. Not counted in ClinVar's aggregate classification.

Dr. Peter K. Rogan Lab, Western University
No classification provided (evidence only). Condition: Colon adenocarcinoma. Review status: no classification provided. Collection method: in vitro. Allele origin: not applicable. Functional consequence: skipped exon, retained intron. Not counted in ClinVar's aggregate classification.

Dr. Peter K. Rogan Lab, Western University
No classification provided (evidence only). Condition: Colorectal cancer. Review status: no classification provided. Collection method: in vitro. Allele origin: not applicable. Functional consequence: skipped exon, retained intron. Not counted in ClinVar's aggregate classification.

Dr. Peter K. Rogan Lab, Western University
No classification provided (evidence only). Condition: Colorectal cancer. Review status: no classification provided. Collection method: in vitro. Allele origin: not applicable. Functional consequence: retained intron. Not counted in ClinVar's aggregate classification.

Dr. Peter K. Rogan Lab, Western University
No classification provided (evidence only). Condition: Colorectal cancer. Review status: no classification provided. Collection method: in vitro. Allele origin: not applicable. Functional consequence: skipped exon, retained intron. Not counted in ClinVar's aggregate classification.

Dr. Peter K. Rogan Lab, Western University
No classification provided (evidence only). Condition: Colorectal cancer. Review status: no classification provided. Collection method: in vitro. Allele origin: not applicable. Functional consequence: skipped exon. Not counted in ClinVar's aggregate classification.

Dr. Peter K. Rogan Lab, Western University
No classification provided (evidence only). Condition: Colorectal cancer. Review status: no classification provided. Collection method: in vitro. Allele origin: not applicable. Functional consequence: skipped exon, retained intron. Not counted in ClinVar's aggregate classification.

Dr. Peter K. Rogan Lab, Western University
No classification provided (evidence only). Condition: Uterine corpus endometrial carcinoma. Review status: no classification provided. Collection method: in vitro. Allele origin: not applicable. Functional consequence: retained intron. Not counted in ClinVar's aggregate classification.

Dr. Peter K. Rogan Lab, Western University
No classification provided (evidence only). Condition: Uterine corpus endometrial carcinoma. Review status: no classification provided. Collection method: in vitro. Allele origin: not applicable. Functional consequence: retained intron. Not counted in ClinVar's aggregate classification.

Dr. Peter K. Rogan Lab, Western University
No classification provided (evidence only). Condition: Uterine corpus endometrial carcinoma. Review status: no classification provided. Collection method: in vitro. Allele origin: not applicable. Functional consequence: skipped exon, retained intron. Not counted in ClinVar's aggregate classification.

Dr. Peter K. Rogan Lab, Western University
No classification provided (evidence only). Condition: Uterine corpus endometrial carcinoma. Review status: no classification provided. Collection method: in vitro. Allele origin: not applicable. Functional consequence: retained intron. Not counted in ClinVar's aggregate classification.

Dr. Peter K. Rogan Lab, Western University
No classification provided (evidence only). Condition: Uterine corpus endometrial carcinoma. Review status: no classification provided. Collection method: in vitro. Allele origin: not applicable. Functional consequence: skipped exon, retained intron. Not counted in ClinVar's aggregate classification.

Dr. Peter K. Rogan Lab, Western University
No classification provided (evidence only). Condition: Uterine corpus endometrial carcinoma. Review status: no classification provided. Collection method: in vitro. Allele origin: not applicable. Functional consequence: retained intron. Not counted in ClinVar's aggregate classification.

Dr. Peter K. Rogan Lab, Western University
No classification provided (evidence only). Condition: Uterine corpus endometrial carcinoma. Review status: no classification provided. Collection method: in vitro. Allele origin: not applicable. Functional consequence: retained intron. Not counted in ClinVar's aggregate classification.

Dr. Peter K. Rogan Lab, Western University
No classification provided (evidence only). Condition: Uterine corpus endometrial carcinoma. Review status: no classification provided. Collection method: in vitro. Allele origin: not applicable. Functional consequence: retained intron. Not counted in ClinVar's aggregate classification.

Dr. Peter K. Rogan Lab, Western University
No classification provided (evidence only). Condition: Uterine corpus endometrial carcinoma. Review status: no classification provided. Collection method: in vitro. Allele origin: not applicable. Functional consequence: skipped exon, retained intron. Not counted in ClinVar's aggregate classification.

Dr. Peter K. Rogan Lab, Western University
No classification provided (evidence only). Condition: Sarcoma. Review status: no classification provided. Collection method: in vitro. Allele origin: not applicable. Functional consequence: retained intron. Not counted in ClinVar's aggregate classification.